The following is an entry in ClinVar:

NM_000371.4(TTR):c.239C>A (p.Thr80Asn)

Gene: TTR (transthyretin; plus strand). Cytogenetic location: 18q12.1.
Variant type: single nucleotide variant.
Coding change: c.239C>A on transcript NM_000371.4 (MANE Select); coding-DNA position 239, C replaced by A.
Protein change: p.Thr80Asn; replaces threonine 80 with asparagine.
Molecular consequence: missense variant.
Genome position (GRCh38, 1-based): chr18:31,595,158, C>A. VCF-style: chr18-31595158-C-A. GRCh37 (hg19) VCF-style: chr18-29175121-C-A.
Other names: short protein forms T80N.
Identifiers: ClinVar variation 3649160 (VCV003649160.2).
Genomic context (GRCh38, chr18:31,595,158, plus strand): 5'-TCCAGACTTTCACACCTTATAGGAAAACCAGTGAGTCTGGAGAGCTGCATGGGCTCACAA[C>A]TGAGGAGGAATTTGTAGAAGGGATATACAAAGTGGAAATAGACACCAAATCTTACTGGAA-3'
Protein context (NP_000362.1, residues 70-90): SESGELHGLT[Thr80Asn]EEEFVEGIYK

ClinVar aggregate classification (germline): Likely pathogenic (1 of 4 stars; one submission).

Conditions:
Amyloidosis, hereditary systemic 1 (AMYLD1). Also called: Familial amyloid polyneuropathy; AMYLOID CARDIOMYOPATHY; Transthyretin Amyloidosis; Hereditary oculoleptomeningeal amyloid angiopathy; Familial Transthyretin Amyloidosis; Isolated Cardiac Amyloidosis. Identifiers: Orphanet 85447, Orphanet 85451, MedGen C2751492, MONDO:0971004, OMIM 105210.

Submission:

Labcorp Genetics (formerly Invitae), Labcorp
Classification: Likely pathogenic for Amyloidosis, hereditary systemic 1. Last evaluated: 2024-04-08. Review status: criteria provided, single submitter. Criteria: Invitae Variant Classification Sherloc (09022015). Collection method: clinical testing. Allele origin: germline.
Comment: This sequence change replaces threonine, which is neutral and polar, with asparagine, which is neutral and polar, at codon 80 of the TTR protein (p.Thr80Asn). This variant is not present in population databases (gnomAD no frequency). This variant has not been reported in the literature in individuals affected with TTR-related conditions. Advanced modeling of protein sequence and biophysical properties (such as structural, functional, and spatial information, amino acid conservation, physicochemical variation, residue mobility, and thermodynamic stability) performed at Invitae indicates that this missense variant is expected to disrupt TTR protein function with a positive predictive value of 95%. This variant disrupts the p.Thr80 amino acid residue in TTR. Other variant(s) that disrupt this residue have been determined to be pathogenic (PMID: 3722385, 7608709, 12050338, 21992998, 25997029, 26017327). This suggests that this residue is clinically significant, and that variants that disrupt this residue are likely to be disease-causing. In summary, the currently available evidence indicates that the variant is pathogenic, but additional data are needed to prove that conclusively. Therefore, this variant has been classified as Likely Pathogenic.

Literature cited by the submitters: PubMed 3722385; PubMed 7608709; PubMed 12050338; PubMed 21992998; PubMed 25997029; PubMed 26017327.